The following is an entry in ClinVar:

ClinVar aggregate classification (germline): Uncertain significance (1 of 4 stars; one submission).

Conditions:
Immunodeficiency 51 (IMD51). Also called: CANDIDIASIS, FAMILIAL, 5. Identifiers: Orphanet 1334, MedGen C4310803, MONDO:0013500, OMIM 613953.

Allele frequency attached by ClinVar (database versions not stated): TOPMed 0.00001.
gnomAD v4.1: 4 of 1,589,288 alleles (0.00025%); highest among the groups gnomAD compares: African/African-American, 0.004%; no homozygotes.

Submission:

Labcorp Genetics (formerly Invitae), Labcorp
Classification: Uncertain significance for Immunodeficiency 51. Last evaluated: 2025-03-31. Review status: criteria provided, single submitter. Criteria: Invitae Variant Classification Sherloc (09022015). Collection method: clinical testing. Allele origin: germline.
Comment: This sequence change replaces proline, which is neutral and non-polar, with arginine, which is basic and polar, at codon 612 of the IL17RA protein (p.Pro612Arg). This variant is not present in population databases (gnomAD no frequency). This variant has not been reported in the literature in individuals affected with IL17RA-related conditions. ClinVar contains an entry for this variant (Variation ID: 665915). An algorithm developed to predict the effect of missense changes on protein structure and function (PolyPhen-2) suggests that this variant is likely to be disruptive. In summary, the available evidence is currently insufficient to determine the role of this variant in disease. Therefore, it has been classified as a Variant of Uncertain Significance.

NM_014339.7(IL17RA):c.1835C>G (p.Pro612Arg)

Gene: IL17RA (interleukin 17 receptor A; plus strand). Cytogenetic location: 22q11.1.
Variant type: single nucleotide variant.
Coding change: c.1835C>G on transcript NM_014339.7 (MANE Select); coding-DNA position 1835, C replaced by G.
Protein change: p.Pro612Arg; replaces proline 612 with arginine.
Molecular consequence: missense variant.
Genome position (GRCh38, 1-based): chr22:17,109,054, C>G. VCF-style: chr22-17109054-C-G. GRCh37 (hg19) VCF-style: chr22-17589944-C-G.
Other names: c.1733C>G, p.Pro578Arg (NM_001289905.2); short protein forms P578R, P612R.
Identifiers: ClinVar variation 665915 (VCV000665915.10), dbSNP rs1451038504, ClinGen allele CA410219142.